The following is an entry in ClinVar:

NM_003072.5(SMARCA4):c.1962G>A (p.Arg654=)

Gene: SMARCA4 (SWI/SNF related BAF chromatin remodeling complex subunit ATPase 4; plus strand). Cytogenetic location: 19p13.2.
Variant type: single nucleotide variant.
Coding change: c.1962G>A on transcript NM_003072.5 (MANE Select); coding-DNA position 1962, G replaced by A.
Protein change: p.Arg654=; no amino-acid change (arginine 654 retained).
Molecular consequence: synonymous variant. On other transcripts: non-coding transcript variant (1).
Genome position (GRCh38, 1-based): chr19:11,003,358, G>A. VCF-style: chr19-11003358-G-A. GRCh37 (hg19) VCF-style: chr19-11114034-G-A.
Other names: c.1962G>A, p.Arg654= (NM_001128844.3, NM_001128845.2, NM_001128846.2 and 4 more transcripts).
Identifiers: ClinVar variation 705104 (VCV000705104.14), dbSNP rs762656154, ClinGen allele CA305256734.

ClinVar aggregate classification (germline): Benign/Likely benign. Review status: criteria provided, multiple submitters, no conflicts (2 of 4 stars). 3 submissions from 3 submitters: Benign (1); Likely benign (2). Last evaluated 2026-07-10.

Conditions:
Hereditary cancer-predisposing syndrome. Also called: Hereditary neoplastic syndrome; Neoplastic Syndromes, Hereditary; Tumor predisposition; Hereditary Cancer Syndrome. Identifiers: Orphanet 140162, MedGen C0027672, MeSH D009386, MONDO:0015356.
Rhabdoid tumor predisposition syndrome 2 (RTPS2). Identifiers: Orphanet 231108, Orphanet 69077, MedGen C2750074, MONDO:0013224, OMIM 613325.

Allele frequency attached by ClinVar (database versions not stated): gnomAD exomes 0.00001 and below 0.00001.
gnomAD v4.1: 10 of 1,614,150 alleles (0.00062%); highest among the groups gnomAD compares: South Asian, 0.0011%; no homozygotes.

Submissions (3):

Myriad Genetics, Inc.
Classification: Benign for Rhabdoid tumor predisposition syndrome 2. Last evaluated: 2026-07-10. Review status: criteria provided, single submitter. Criteria: Myriad Autosomal Dominant, Autosomal Recessive and X-Linked Classification Criteria (2023). Collection method: clinical testing. Allele origin: unknown.
Comment: This variant is considered benign. This variant is a silent/synonymous amino acid change and it is not expected to impact splicing.

Labcorp Genetics (formerly Invitae), Labcorp
Classification: Likely benign for Rhabdoid tumor predisposition syndrome 2. Last evaluated: 2025-02-23. Review status: criteria provided, single submitter. Criteria: Invitae Variant Classification Sherloc (09022015). Collection method: clinical testing. Allele origin: germline.

Ambry Genetics
Classification: Likely benign for Hereditary cancer-predisposing syndrome. Last evaluated: 2019-08-15. Review status: criteria provided, single submitter. Criteria: Ambry Variant Classification Scheme 2023. Collection method: clinical testing. Allele origin: germline.